The following is an entry in ClinVar:

ClinVar aggregate classification (germline): Uncertain significance (1 of 4 stars; one submission).

gnomAD v4.1: 3 of 1,605,154 alleles (0.00019%); highest among the groups gnomAD compares: Non-Finnish European, 0.00025%; no homozygotes.

Submission:

Labcorp Genetics (formerly Invitae), Labcorp
Classification: Uncertain significance. Last evaluated: 2022-07-04. Review status: criteria provided, single submitter. Criteria: Invitae Variant Classification Sherloc (09022015). Collection method: clinical testing. Allele origin: germline.
Comment: This sequence change replaces valine, which is neutral and non-polar, with glycine, which is neutral and non-polar, at codon 138 of the WHRN protein (p.Val138Gly). This variant is present in population databases (rs774215581, gnomAD 0.0009%). In summary, the available evidence is currently insufficient to determine the role of this variant in disease. Therefore, it has been classified as a Variant of Uncertain Significance. Algorithms developed to predict the effect of missense changes on protein structure and function are either unavailable or do not agree on the potential impact of this missense change (SIFT: "Deleterious"; PolyPhen-2: "Possibly Damaging"; Align-GVGD: "Class C0"). This variant has not been reported in the literature in individuals affected with WHRN-related conditions.

NM_015404.4(WHRN):c.413T>G (p.Val138Gly)

Gene: WHRN (whirlin; minus strand). Cytogenetic location: 9q32.
Variant type: single nucleotide variant.
Coding change: c.413T>G on transcript NM_015404.4 (MANE Select); coding-DNA position 413, T replaced by G.
Protein change: p.Val138Gly; replaces valine 138 with glycine.
Molecular consequence: missense variant.
Genome position (GRCh38, 1-based): chr9:114,504,389, A>C on the plus strand (T>G on the coding strand, the complement: WHRN is on the minus strand). VCF-style: chr9-114504389-A-C. GRCh37 (hg19) VCF-style: chr9-117266669-A-C.
Other names: c.413T>G, p.Val138Gly (NM_001173425.2); short protein forms V138G.
Identifiers: ClinVar variation 2014158 (VCV002014158.4), dbSNP rs774215581, ClinGen allele CA198660296.
Genomic context (GRCh38, chr9:114,504,389, plus strand): 5'-CCACGGATGCTGAAGCCCAAGCCCTCGTGGGCCTTGGCACGCCGCAAACTCACCAGGCGC[A>C]CCTCCCCTGGCCCCGCGCTGTCGGGGCCGCCCCAGGCGGGCTGCCTGTAGGGGGTGGTGG-3'
Protein context (NP_056219.3, residues 128-148): GGPDSAGPGE[Val138Gly]RLVSLRRAKA